The following is an entry in ClinVar:

NM_000286.3(PEX12):c.236G>C (p.Ser79Thr)

Gene: PEX12 (peroxisomal biogenesis factor 12; minus strand). Cytogenetic location: 17q12.
Variant type: single nucleotide variant.
Coding change: c.236G>C on transcript NM_000286.3 (MANE Select); coding-DNA position 236, G replaced by C.
Protein change: p.Ser79Thr; replaces serine 79 with threonine.
Molecular consequence: missense variant.
Genome position (GRCh38, 1-based): chr17:35,577,482, C>G on the plus strand (G>C on the coding strand, the complement: PEX12 is on the minus strand). VCF-style: chr17-35577482-C-G. GRCh37 (hg19) VCF-style: chr17-33904501-C-G.
Other names: c.236G>C (NM_000286.2); short protein forms S79T.
Identifiers: ClinVar variation 1057076 (VCV001057076.3), dbSNP rs771507228, ClinGen allele CA8504940.
Genomic context (GRCh38, chr17:35,577,482, plus strand): 5'-TTGTGAGTGTCCCCCATTACAATTCTCTTTAAGCCGTAAAAGTTTTCAGAAAATGAGGCA[C>G]TGGTTCTAGACAGATAATGTTGCTGGAGCAGAAGATCTAGCAGAGTAAAGATTTCATCAA-3'
Protein context (NP_000277.1, residues 69-89): LLQQHYLSRT[Ser79Thr]ASFSENFYGL

ClinVar aggregate classification (germline): Uncertain significance. Review status: criteria provided, multiple submitters, no conflicts (2 of 4 stars). 2 submissions from 2 submitters: Uncertain significance (2). Last evaluated 2025-09-28.

Conditions:
Peroxisome biogenesis disorder 3A (Zellweger). Also called: PEROXISOMAL BIOGENESIS DISORDER 3A (ZELLWEGER); Peroxisome biogenesis disorder 3A. Identifiers: Orphanet 912, MedGen C3553929, MONDO:0013927, OMIM 614859.
Inborn genetic diseases. Identifiers: MedGen C0950123, MeSH D030342.

Allele frequency attached by ClinVar (database versions not stated): TOPMed 0.00002; gnomAD 0.00003; gnomAD exomes 0.00004 and 0.00003; ExAC 0.00002.
gnomAD v4.1: 28 of 1,613,928 alleles (0.0017%); highest among the groups gnomAD compares: East Asian, 0.056%; no homozygotes.

Submissions (2):

Ambry Genetics
Classification: Uncertain significance for Inborn genetic diseases. Last evaluated: 2025-09-28. Review status: criteria provided, single submitter. Criteria: Ambry Variant Classification Scheme 2023. Collection method: clinical testing. Allele origin: germline.

Labcorp Genetics (formerly Invitae), Labcorp
Classification: Uncertain significance for Peroxisome biogenesis disorder 3A (Zellweger). Last evaluated: 2022-08-09. Review status: criteria provided, single submitter. Criteria: Invitae Variant Classification Sherloc (09022015). Collection method: clinical testing. Allele origin: germline.
Comment: This sequence change replaces serine, which is neutral and polar, with threonine, which is neutral and polar, at codon 79 of the PEX12 protein (p.Ser79Thr). This variant is present in population databases (rs771507228, gnomAD 0.04%). This variant has not been reported in the literature in individuals affected with PEX12-related conditions. ClinVar contains an entry for this variant (Variation ID: 1057076). Algorithms developed to predict the effect of missense changes on protein structure and function are either unavailable or do not agree on the potential impact of this missense change (SIFT: "Tolerated"; PolyPhen-2: "Probably Damaging"; Align-GVGD: "Class C0"). In summary, the available evidence is currently insufficient to determine the role of this variant in disease. Therefore, it has been classified as a Variant of Uncertain Significance.